The following is an entry in ClinVar:

ClinVar aggregate classification (germline): Uncertain significance. Review status: criteria provided, multiple submitters, no conflicts (2 of 4 stars). 2 submissions from 2 submitters: Uncertain significance (2). Last evaluated 2025-10-15.

Conditions:
DiGeorge syndrome. Also called: Catch22; THIRD AND FOURTH PHARYNGEAL POUCH SYNDROME. Identifiers: Orphanet 567, MedGen C0012236, MONDO:0008564, OMIM 188400.

gnomAD v4.1: 5 of 1,582,586 alleles (0.00032%); highest among the groups gnomAD compares: Non-Finnish European, 0.00034%; no homozygotes.

Submissions (2):

Women's Health and Genetics/Laboratory Corporation of America, LabCorp
Classification: Uncertain significance. Last evaluated: 2025-10-15. Review status: criteria provided, single submitter. Criteria: LabCorp Variant Classification Summary - May 2015. Collection method: clinical testing. Allele origin: germline.
Comment: Variant summary: TBX1 c.1484G>C (p.Arg495Thr) results in a non-conservative amino acid change in the encoded protein sequence. Algorithms developed to predict the effect of missense changes on protein structure and function all suggest that this variant is likely to be disruptive. The variant allele was found at a frequency of 4.7e-06 in 210812 control chromosomes. The available data on variant occurrences in the general population are insufficient to allow any conclusion about variant significance. To our knowledge, no occurrence of c.1484G>C in individuals affected with TBX1-related conditions and no experimental evidence demonstrating its impact on protein function have been reported. ClinVar contains an entry for this variant (Variation ID: 3709589). Based on the evidence outlined above, the variant was classified as uncertain significance.

Labcorp Genetics (formerly Invitae), Labcorp
Classification: Uncertain significance for DiGeorge syndrome. Last evaluated: 2024-12-07. Review status: criteria provided, single submitter. Criteria: Invitae Variant Classification Sherloc (09022015). Collection method: clinical testing. Allele origin: germline.
Comment: This sequence change replaces arginine, which is basic and polar, with threonine, which is neutral and polar, at codon 495 of the TBX1 protein (p.Arg495Thr). This variant is present in population databases (no rsID available, gnomAD 0.001%). This variant has not been reported in the literature in individuals affected with TBX1-related conditions. An algorithm developed to predict the effect of missense changes on protein structure and function (PolyPhen-2) suggests that this variant is likely to be disruptive. In summary, the available evidence is currently insufficient to determine the role of this variant in disease. Therefore, it has been classified as a Variant of Uncertain Significance.

NM_001379200.1(TBX1):c.1511G>C (p.Arg504Thr)

Gene: TBX1 (T-box transcription factor 1; plus strand). Cytogenetic location: 22q11.21.
Variant type: single nucleotide variant.
Coding change: c.1511G>C on transcript NM_001379200.1 (MANE Select); coding-DNA position 1511, G replaced by C.
Protein change: p.Arg504Thr; replaces arginine 504 with threonine.
Molecular consequence: missense variant. On other transcripts: intron variant (2).
Genome position (GRCh38, 1-based): chr22:19,766,863, G>C. VCF-style: chr22-19766863-G-C. GRCh37 (hg19) VCF-style: chr22-19754386-G-C.
Other names: c.1484G>C, p.Arg495Thr (NM_080647.1); c.1009+861G>C (NM_005992.1, NM_080646.2); short protein forms R495T, R504T.
Identifiers: ClinVar variation 3709589 (VCV003709589.3).